The following is an entry in ClinVar:

ClinVar aggregate classification (germline): Uncertain significance (1 of 4 stars; one submission).

Conditions:
Cardiac arrhythmia. Also called: Arrhythmia; Cardiac rhythm disease. Identifiers: MedGen C0003811, MONDO:0007263, HP:0011675.

Submission:

Color Diagnostics, LLC DBA Color Health
Classification: Uncertain significance for Cardiac arrhythmia. Last evaluated: 2025-07-14. Review status: criteria provided, single submitter. Criteria: ACMG Guidelines, 2015. Collection method: clinical testing. Allele origin: germline.
Comment: This missense variant replaces cysteine with arginine at codon 445 of the KCNH2 protein. Computational prediction suggests that this variant may have deleterious impact on protein structure and function. To our knowledge, functional studies have not been reported for this variant. This variant has not been reported in individuals affected with KCNH2-related disorders in the literature. This variant has not been identified in the general population by the Genome Aggregation Database (gnomAD). The available evidence is insufficient to determine the role of this variant in disease conclusively. Therefore, this variant is classified as a Variant of Uncertain Significance.

NM_000238.4(KCNH2):c.1333T>C (p.Cys445Arg)

Gene: KCNH2 (potassium voltage-gated channel subfamily H member 2; minus strand). Cytogenetic location: 7q36.1.
Variant type: single nucleotide variant.
Coding change: c.1333T>C on transcript NM_000238.4 (MANE Select); coding-DNA position 1333, T replaced by C.
Protein change: p.Cys445Arg; replaces cysteine 445 with arginine.
Molecular consequence: missense variant. On other transcripts: non-coding transcript variant (2).
Genome position (GRCh38, 1-based): chr7:150,952,649, A>G on the plus strand (T>C on the coding strand, the complement: KCNH2 is on the minus strand). VCF-style: chr7-150952649-A-G. GRCh37 (hg19) VCF-style: chr7-150649737-A-G.
Other names: c.313T>C, p.Cys105Arg (NM_001204798.2, NM_172057.3); c.1045T>C, p.Cys349Arg (NM_001406753.1, NM_001406756.1); c.1156T>C, p.Cys386Arg (NM_001406755.1); c.1033T>C, p.Cys345Arg (NM_001406757.1); c.1333T>C, p.Cys445Arg (NM_172056.3); short protein forms C105R, C345R, C349R, C386R, C445R.
Identifiers: ClinVar variation 4758897 (VCV004758897.1).